The following is an entry in ClinVar:

ClinVar aggregate classification (germline): Likely benign. Review status: criteria provided, multiple submitters, no conflicts (2 of 4 stars). 4 submissions from 4 submitters: Likely benign (4). Last evaluated 2019-02-04.

Conditions:
SEPN1-related disorder. Also called: SEPN1-Related Disorders. Identifiers: MedGen CN239420.

Allele frequency attached by ClinVar (database versions not stated): ESP Exome Variant Server 0.00192; TOPMed 0.00330; gnomAD 0.00258 and 0.00260; gnomAD exomes 0.00265 and 0.00109; ExAC 0.00292; 1000 Genomes Project 30x 0.00390; 1000 Genomes Project 0.00399.
gnomAD v4.1: 2,022 of 1,603,776 alleles (0.13%); highest among the groups gnomAD compares: East Asian, 1%; 14 homozygotes.

Submissions (4):

GeneDx
Classification: Likely benign. Last evaluated: 2019-02-04. Review status: criteria provided, single submitter. Criteria: GeneDx Variant Classification Process June 2021. Collection method: clinical testing. Allele origin: germline. Affected: yes.

Illumina Laboratory Services, Illumina
Classification: Likely benign for SEPN1-Related Disorders. Last evaluated: 2017-04-27. Review status: criteria provided, single submitter. Criteria: ICSL Variant Classification Criteria 13 December 2019. Collection method: clinical testing. Allele origin: germline.
Comment: This variant was observed as part of a predisposition screen in an ostensibly healthy population. A literature search was performed for the gene, cDNA change, and amino acid change (where applicable). No publications were found based on this search. Allele frequency data from public databases allowed determination this variant is unlikely to cause disease. Therefore, this variant is classified as likely benign.

Breakthrough Genomics
Classification: Likely benign. Review status: criteria provided, single submitter. Criteria: ACMG Guidelines, 2015. Collection method: not provided. Allele origin: germline. Inheritance: Autosomal recessive inheritance. Affected: yes.

PreventionGenetics, part of Exact Sciences
Classification: Likely benign. Review status: criteria provided, single submitter. Criteria: ACMG Guidelines, 2015. Collection method: clinical testing. Allele origin: germline.

NM_206926.2(SELENON):c.*44G>T

Gene: SELENON (selenoprotein N; plus strand). Cytogenetic location: 1p36.11.
Variant type: single nucleotide variant.
Coding change: c.*44G>T on transcript NM_206926.2 (MANE Select); 44 bases downstream of the stop codon, G replaced by T.
Molecular consequence: 3 prime UTR variant.
Genome position (GRCh38, 1-based): chr1:25,815,762, G>T. VCF-style: chr1-25815762-G-T. GRCh37 (hg19) VCF-style: chr1-26142253-G-T.
Other names: c.*44G>T (NM_020451.3).
Identifiers: ClinVar variation 261267 (VCV000261267.9), dbSNP rs116931343, ClinGen allele CA697001.
Genomic context (GRCh38, chr1:25,815,762, plus strand): 5'-CCCTCCTCCAGCCCTAGAGTGCCTGGACGGGATCTGATGCACAGGCCCCCACGCCTCAGA[G>T]CCAGAGTGGTCCTCAGCCCATTTCAGACTGCAGATGCCGCCCACTCCCACCCCACTCCTA-3'